The following is an entry in ClinVar:

ClinVar aggregate classification (germline): Uncertain significance (1 of 4 stars; one submission).

Conditions:
Inborn genetic diseases. Identifiers: MedGen C0950123, MeSH D030342.

Submission:

Ambry Genetics
Classification: Uncertain significance for Inborn genetic diseases. Last evaluated: 2025-08-01. Review status: criteria provided, single submitter. Criteria: Ambry Variant Classification Scheme 2023. Collection method: clinical testing. Allele origin: germline.
Comment: The p.T162I variant (also known as c.485C>T), located in coding exon 4 of the CEP57 gene, results from a C to T substitution at nucleotide position 485. The threonine at codon 162 is replaced by isoleucine, an amino acid with similar properties. This amino acid position is conserved. In addition, the in silico prediction for this alteration is inconclusive. Based on the available evidence, the clinical significance of this variant remains unclear.

NM_014679.5(CEP57):c.485C>T (p.Thr162Ile)

Gene: CEP57 (centrosomal protein 57; plus strand). Cytogenetic location: 11q21.
Variant type: single nucleotide variant.
Coding change: c.485C>T on transcript NM_014679.5 (MANE Select); coding-DNA position 485, C replaced by T.
Protein change: p.Thr162Ile; replaces threonine 162 with isoleucine.
Molecular consequence: missense variant.
Genome position (GRCh38, 1-based): chr11:95,813,570, C>T. VCF-style: chr11-95813570-C-T. GRCh37 (hg19) VCF-style: chr11-95546734-C-T.
Other names: c.485C>T, p.Thr162Ile (NM_001440882.1, NM_001243777.2, NM_001440871.1 and 4 more transcripts); c.458C>T, p.Thr153Ile (NM_001243776.2); c.404C>T, p.Thr135Ile (NM_001363604.2, NM_001440869.1, NM_001440870.1 and 3 more transcripts); c.305C>T, p.Thr102Ile (NM_001440873.1, NM_001440881.1); c.224C>T, p.Thr75Ile (NM_001440880.1); short protein forms T102I, T75I, T153I, T162I, T135I.
Identifiers: ClinVar variation 4226369 (VCV004226369.1).